The following is an entry in ClinVar:

NM_001142864.4(PIEZO1):c.7094G>A (p.Gly2365Glu)

Gene: PIEZO1 (piezo type mechanosensitive ion channel component 1 (Er blood group); minus strand). Cytogenetic location: 16q24.3.
Variant type: single nucleotide variant.
Coding change: c.7094G>A on transcript NM_001142864.4 (MANE Select); coding-DNA position 7094, G replaced by A.
Protein change: p.Gly2365Glu; replaces glycine 2365 with glutamic acid.
Molecular consequence: missense variant.
Genome position (GRCh38, 1-based): chr16:88,716,233, C>T on the plus strand (G>A on the coding strand, the complement: PIEZO1 is on the minus strand). VCF-style: chr16-88716233-C-T. GRCh37 (hg19) VCF-style: chr16-88782641-C-T.
Other names: short protein forms G2365E.
Identifiers: ClinVar variation 3354679 (VCV003354679.1).

ClinVar aggregate classification (germline): Uncertain significance (0 of 4 stars; one submission).

Conditions:
PIEZO1-related disorder. Also called: PIEZO1-related condition; PIEZO1-Related Disorders.

gnomAD v4.1: 4 of 1,496,194 alleles (0.00027%); highest among the groups gnomAD compares: Middle Eastern, 0.018%; no homozygotes.

Submission:

PreventionGenetics, part of Exact Sciences
Classification: Uncertain significance for PIEZO1-related condition. Last evaluated: 2024-08-30. Review status: no assertion criteria provided. Collection method: clinical testing. Allele origin: germline.
Comment: The PIEZO1 c.7094G>A variant is predicted to result in the amino acid substitution p.Gly2365Glu. To our knowledge, this variant has not been reported in the literature. This variant is reported in 0.011% of alleles in individuals of African descent in gnomAD. At this time, the clinical significance of this variant is uncertain due to the absence of conclusive functional and genetic evidence.